The following is an entry in ClinVar:

ClinVar aggregate classification (germline): Likely benign. Review status: criteria provided, multiple submitters, no conflicts (2 of 4 stars). 2 submissions from 2 submitters: Likely benign (2). Last evaluated 2025-02-12.

Allele frequency attached by ClinVar (database versions not stated): gnomAD 0.00001; gnomAD exomes 0.00001; TOPMed 0.00001.
gnomAD v4.1: 14 of 1,551,400 alleles (0.0009%); highest among the groups gnomAD compares: Non-Finnish European, 0.0012%; 1 homozygote.

Submissions (2):

Labcorp Genetics (formerly Invitae), Labcorp
Classification: Likely benign. Last evaluated: 2025-02-12. Review status: criteria provided, single submitter. Criteria: Invitae Variant Classification Sherloc (09022015). Collection method: clinical testing. Allele origin: germline.

CeGaT Center for Human Genetics Tuebingen
Classification: Likely benign. Last evaluated: 2023-04-01. Review status: criteria provided, single submitter. Criteria: CeGaT Center For Human Genetics Tuebingen Variant Classification Criteria Version 2. Collection method: clinical testing. Allele origin: germline. Affected: yes. Observed: 1 variant allele.
Comment: NDUFA11: BP4, BP7

NM_175614.5(NDUFA11):c.39C>G (p.Pro13=)

Genes: NDUFA11 (NADH:ubiquinone oxidoreductase subunit A11; minus strand), LOC112552175 (Sharpr-MPRA regulatory region 9916; plus strand). Cytogenetic location: 19p13.3.
Variant type: single nucleotide variant.
Coding change: c.39C>G on transcript NM_175614.5 (MANE Select); coding-DNA position 39, C replaced by G.
Protein change: p.Pro13=; no amino-acid change (proline 13 retained).
Molecular consequence: synonymous variant. On other transcripts: non-coding transcript variant (1).
Genome position (GRCh38, 1-based): chr19:5,903,670, G>C on the plus strand (C>G on the coding strand, the complement: NDUFA11 is on the minus strand). VCF-style: chr19-5903670-G-C. GRCh37 (hg19) VCF-style: chr19-5903681-G-C.
Other names: c.39C>G, p.Pro13= (NM_001193375.3).
Identifiers: ClinVar variation 2649128 (VCV002649128.25), dbSNP rs1169554789, ClinGen allele CA505081510.
Genomic context (GRCh38, chr19:5,903,670, plus strand): 5'-ACCAGCGACGCTGGCAATACTGGTGGTGCTGTAGGCTTTGCGGTGGCAATCGGTGCCATC[G>C]GGGATATCCCAGTACTGACGAAAAACCTTCGGCGCCATAGCCCGCAATCTCGATCCCGCA-3'
Protein context (NP_783313.1, residues 3-23): PKVFRQYWDI[Pro13=]DGTDCHRKAY